The following is an entry in ClinVar:

ClinVar aggregate classification (germline): Uncertain significance (1 of 4 stars; one submission).

Conditions:
Epileptic encephalopathy. Identifiers: MedGen C0543888, HP:0200134.

Submission:

Labcorp Genetics (formerly Invitae), Labcorp
Classification: Uncertain significance for Epileptic encephalopathy. Last evaluated: 2022-07-11. Review status: criteria provided, single submitter. Criteria: Invitae Variant Classification Sherloc (09022015). Collection method: clinical testing. Allele origin: germline.
Comment: In summary, the available evidence is currently insufficient to determine the role of this variant in disease. Therefore, it has been classified as a Variant of Uncertain Significance. Algorithms developed to predict the effect of missense changes on protein structure and function output the following: SIFT: "Tolerated"; PolyPhen-2: "Benign"; Align-GVGD: "Class C0". The valine amino acid residue is found in multiple mammalian species, which suggests that this missense change does not adversely affect protein function. ClinVar contains an entry for this variant (Variation ID: 1378037). This variant has not been reported in the literature in individuals affected with FASN-related conditions. This variant is not present in population databases (gnomAD no frequency). This sequence change replaces leucine, which is neutral and non-polar, with valine, which is neutral and non-polar, at codon 1265 of the FASN protein (p.Leu1265Val).

NM_004104.5(FASN):c.3793C>G (p.Leu1265Val)

Gene: FASN (fatty acid synthase; minus strand). Cytogenetic location: 17q25.3.
Variant type: single nucleotide variant.
Coding change: c.3793C>G on transcript NM_004104.5 (MANE Select); coding-DNA position 3793, C replaced by G.
Protein change: p.Leu1265Val; replaces leucine 1265 with valine.
Molecular consequence: missense variant.
Genome position (GRCh38, 1-based): chr17:82,085,811, G>C on the plus strand (C>G on the coding strand, the complement: FASN is on the minus strand). VCF-style: chr17-82085811-G-C. GRCh37 (hg19) VCF-style: chr17-80043687-G-C.
Other names: short protein forms L1265V.
Identifiers: ClinVar variation 1378037 (VCV001378037.8), dbSNP rs1289578764, ClinGen allele CA401550218.